The following is an entry in ClinVar:

ClinVar aggregate classification (germline): Pathogenic. Review status: reviewed by expert panel (3 of 4 stars). 2 submissions from 2 submitters: Pathogenic (1). 1 of the submissions does not count toward it. Last evaluated 2024-03-08.

Conditions:
Severe combined immunodeficiency due to DCLRE1C deficiency (RS-SCID). Also called: SCID, AUTOSOMAL RECESSIVE, T CELL-NEGATIVE, B CELL-NEGATIVE, NK CELL-POSITIVE, WITH SENSITIVITY TO IONIZING RADIATION. Identifiers: Orphanet 275, MedGen C1865371, MONDO:0011225, OMIM 602450.

Allele frequency attached by ClinVar (database versions not stated): gnomAD exomes below 0.00001; ExAC 0.00001.
gnomAD v4.1: 2 of 1,612,270 alleles (0.00012%); highest among the groups gnomAD compares: Non-Finnish European, 0.00017%; no homozygotes.

Submissions (2):

ClinGen Severe Combined Immunodeficiency Variant Curation Expert Panel, ClinGen
Classification: Pathogenic for Severe combined immunodeficiency due to DCLRE1C deficiency. Last evaluated: 2024-03-08. Review status: reviewed by expert panel. Criteria: ClinGen SCID ACMG Specifications DCLRE1C V1.0.0. Collection method: curation. Allele origin: germline. Inheritance: Autosomal recessive inheritance.
Comment: The c.356C>G (p.Ser119Ter)(NM_001033855.3) variant in DCLRE1C is a nonsense variant predicted to cause a premature stop codon in biologically relevant exon 5/14 leading to nonsense-mediated decay in a gene in which loss-of-function is an established disease mechanism (PVS1). The filtering allele frequency (the upper threshold of the 95% CI of 2/1110550) of the c.356C>G variant in DCLRE1C is 0.0000003 for European (Non-Finnish) chromosomes by gnomAD v4, which is lower than the ClinGen SCID VCEP threshold (<0.00003266) for PM2_Supporting, and therefore meets this criterion (PM2_Supporting). The variant displayed a recombination activity of 0% compared to WT levels (PMID:25917813) in one assay with impaired DNA repair activity (15.59%), which is below the criteria of the 25% threshold set by the SCID VCEP to meet PS3_moderate. At least one patient with this variant displayed Diagnostic criteria for SCID: 0.5pt + Increased cellular radiosensitivity: 0.5pt = Total 1.0 pt, which is highly specific for SCID (PP4_Supporting, PMID:15770702). In summary, this variant meets the criteria to be classified as Pathogenic for or autosomal recessive severe combined immunodeficiency due to DCLRE1C deficiency based on the ACMG/AMP criteria applied, as specified by the ClinGen SCID VCEP: PVS1, PM2_Supporting, PS3_Moderate, and PP4_Supporting (VCEP specifications version 1).

Labcorp Genetics (formerly Invitae), Labcorp
Classification: Pathogenic for Athabaskan severe combined immunodeficiency. Last evaluated: 2022-08-28. Review status: criteria provided, single submitter. Criteria: Invitae Variant Classification Sherloc (09022015). Collection method: clinical testing. Allele origin: germline. Not counted in ClinVar's aggregate classification.
Comment: This sequence change creates a premature translational stop signal (p.Ser119*) in the DCLRE1C gene. It is expected to result in an absent or disrupted protein product. Loss-of-function variants in DCLRE1C are known to be pathogenic (PMID: 21664875, 26123418). For these reasons, this variant has been classified as Pathogenic. Experimental studies have shown that this premature translational stop signal affects DCLRE1C function (PMID: 25917813). Algorithms developed to predict the effect of variants on protein structure and function are not available or were not evaluated for this variant. This premature translational stop signal has been observed in individual(s) with severe combined immunodeficiency (PMID: 15770702). This variant is present in population databases (rs781123663, gnomAD 0.0009%).

Literature cited by the submitters: PubMed 21664875 (cited by Labcorp Genetics (formerly Invitae), Labcorp); PubMed 26123418 (cited by Labcorp Genetics (formerly Invitae), Labcorp); PubMed 25917813 (cited by Labcorp Genetics (formerly Invitae), Labcorp); PubMed 15770702 (cited by Labcorp Genetics (formerly Invitae), Labcorp).

NM_001033855.3(DCLRE1C):c.356C>G (p.Ser119Ter)

Gene: DCLRE1C (DNA cross-link repair 1C; minus strand). Cytogenetic location: 10p13.
Variant type: single nucleotide variant.
Coding change: c.356C>G on transcript NM_001033855.3 (MANE Select); coding-DNA position 356, C replaced by G.
Protein change: p.Ser119Ter; replaces serine 119 with a stop codon.
Molecular consequence: nonsense. On other transcripts: 5 prime UTR variant (5), non-coding transcript variant (3), intron variant (4).
Genome position (GRCh38, 1-based): chr10:14,936,544, G>C on the plus strand (C>G on the coding strand, the complement: DCLRE1C is on the minus strand). VCF-style: chr10-14936544-G-C. GRCh37 (hg19) VCF-style: chr10-14978543-G-C.
Other names: NM_001033855.3(DCLRE1C):c.356C>G; p.Ser119Ter; c.-5C>G (NM_001033857.3, NM_001033858.3, NM_001289077.2 and 2 more transcripts); c.356C>G, p.Ser119Ter (NM_001350965.2); c.18-980C>G (NM_001350966.2, NM_001289078.2, NM_001289076.2 and 1 more transcripts); short protein forms S119*.
Identifiers: ClinVar variation 2136850 (VCV002136850.4), dbSNP rs781123663, ClinGen allele CA5416893.